The following is an entry in ClinVar:

NM_000059.4(BRCA2):c.1854delinsAA (p.Gln619fs)

Gene: BRCA2 (BRCA2 DNA repair associated; plus strand). Cytogenetic location: 13q13.1.
Variant type: Indel.
Coding change: c.1854delinsAA on transcript NM_000059.4 (MANE Select); coding-DNA position 1854, C replaced by AA.
Protein change: p.Gln619fs; shifts the reading frame from glutamine 619.
Molecular consequence: frameshift variant.
Genome position (GRCh38, 1-based): chr13:32,333,332, C replaced by AA. VCF-style: chr13-32333332-C-AA. GRCh37 (hg19) VCF-style: chr13-32907469-C-AA.
Other names: 2082delCinsAA; c.1854delCinsAA (NM_000059.3); short protein forms Q619fs.
Identifiers: ClinVar variation 51215 (VCV000051215.19), dbSNP rs276174815, ClinGen allele CA266493.

ClinVar aggregate classification (germline): Pathogenic. Review status: reviewed by expert panel (3 of 4 stars). 8 submissions from 8 submitters: Pathogenic (1). 7 of the submissions do not count toward it. Last evaluated 2016-09-08.

Conditions:
Hereditary breast ovarian cancer syndrome. Also called: Hereditary breast and ovarian cancer syndrome; Hereditary breast and ovarian cancer; Hereditary breast and ovarian cancer syndrome (HBOC); Breast and ovarian cancer; Hereditary breast and/or ovarian cancer syndrome; BRCA1- and BRCA2-Associated Hereditary Breast and Ovarian Cancer. Identifiers: Orphanet 145, MedGen C0677776, MeSH D061325, MONDO:0003582. Disease mechanism: loss of function.
Breast-ovarian cancer, familial, susceptibility to, 2 (BROVCA2). Also called: BRCA2 Hereditary Breast and Ovarian Cancer. Identifiers: Orphanet 145, MedGen C2675520, MONDO:0012933, OMIM 612555. Disease mechanism: loss of function.
Hereditary cancer-predisposing syndrome. Also called: Neoplastic Syndromes, Hereditary; Tumor predisposition; Hereditary Cancer Syndrome; Hereditary neoplastic syndrome. Identifiers: Orphanet 140162, MedGen C0027672, MeSH D009386, MONDO:0015356.

Submissions (8):

Evidence-based Network for the Interpretation of Germline Mutant Alleles (ENIGMA)
Classification: Pathogenic for Breast-ovarian cancer, familial, susceptibility to, 2. Last evaluated: 2016-09-08. Review status: reviewed by expert panel. Criteria: ENIGMA BRCA1/2 Classification Criteria (2015). Collection method: curation. Allele origin: germline.
Comment: Variant allele predicted to encode a truncated non-functional protein.

Center for Genomic Medicine, Rigshospitalet, Copenhagen University Hospital
Classification: Pathogenic. Last evaluated: 2025-03-04. Review status: criteria provided, single submitter. Criteria: ACMG Guidelines, 2015. Collection method: clinical testing. Allele origin: germline. Not counted in ClinVar's aggregate classification.

Quest Diagnostics Nichols Institute San Juan Capistrano
Classification: Pathogenic. Last evaluated: 2024-08-13. Review status: criteria provided, single submitter. Criteria: Quest Diagnostics criteria. Collection method: clinical testing. Allele origin: unknown. Not counted in ClinVar's aggregate classification.
Comment: The BRCA2 c.1854delinsAA (p.Gln619Thrfs*3) variant alters the translational reading frame of the BRCA2 mRNA and causes the premature termination of BRCA2 protein synthesis. This variant has been reported in the published literature in individuals affected with breast cancer (PMIDs: 31209999 (2019), 30014164 (2018)). This variant has not been reported in large, multi-ethnic general populations (Genome Aggregation Database). Based on the available information, this variant is classified as pathogenic.

Labcorp Genetics (formerly Invitae), Labcorp
Classification: Pathogenic for Hereditary breast ovarian cancer syndrome. Last evaluated: 2024-02-07. Review status: criteria provided, single submitter. Criteria: Invitae Variant Classification Sherloc (09022015). Collection method: clinical testing. Allele origin: germline. Not counted in ClinVar's aggregate classification.
Comment: This sequence change creates a premature translational stop signal ( p.Gln619Thrfs*3) in the BRCA2 gene. It is expected to result in an absent or disrupted protein product. Loss-of-function variants in BRCA2 are known to be pathogenic (PMID: 20104584). This variant is not present in population databases (gnomAD no frequency). This premature translational stop signal has been observed in individual(s) with BRCA2-related conditions (PMID: 21520333). ClinVar contains an entry for this variant (Variation ID: 548431). Algorithms developed to predict the effect of sequence changes on RNA splicing suggest that this variant may disrupt the consensus splice site. For these reasons, this variant has been classified as Pathogenic.

Ambry Genetics
Classification: Pathogenic for Hereditary cancer-predisposing syndrome. Last evaluated: 2023-06-29. Review status: criteria provided, single submitter. Criteria: Ambry Variant Classification Scheme 2023. Collection method: clinical testing. Allele origin: germline. Not counted in ClinVar's aggregate classification.
Comment: The c.1854delCinsAA pathogenic mutation, located in coding exon 9 of the BRCA2 gene, results from the deletion of one nucleotide and insertion of two nucleotides causing a translational frameshift with a predicted alternate stop codon (p.Q619Tfs*3). This alteration is expected to result in loss of function by premature protein truncation or nonsense-mediated mRNA decay. As such, this alteration is interpreted as a disease-causing mutation.

Color Diagnostics, LLC DBA Color Health
Classification: Pathogenic for Hereditary cancer-predisposing syndrome. Last evaluated: 2020-01-15. Review status: criteria provided, single submitter. Criteria: ACMG Guidelines, 2015. Collection method: clinical testing. Allele origin: germline. Not counted in ClinVar's aggregate classification.
Comment: This variant is located in the BRCA2 protein. Splice site prediction tools suggest that this variant may not impact RNA splicing. This variant has not been identified in the general population by the Genome Aggregation Database (gnomAD). Loss of BRCA2 function is a known mechanism of disease. Based on the available evidence, this variant is classified as Pathogenic.

Sharing Clinical Reports Project (SCRP)
Classification: Pathogenic for Breast-ovarian cancer, familial 2. Last evaluated: 2012-09-14. Review status: no assertion criteria provided. Collection method: clinical testing. Allele origin: germline. Not counted in ClinVar's aggregate classification.

Breast Cancer Information Core (BIC) (BRCA2)
Classification: Pathogenic for Breast-ovarian cancer, familial 2. Last evaluated: 2004-02-20. Review status: no assertion criteria provided. Collection method: clinical testing. Allele origin: germline. Affected: yes. Observed: 1 variant allele. Not counted in ClinVar's aggregate classification.

Literature cited by the submitters: PubMed 30014164 (cited by Center for Genomic Medicine, Rigshospitalet, Copenhagen University Hospital and Quest Diagnostics Nichols Institute San Juan Capistrano); PubMed 31209999 (cited by Quest Diagnostics Nichols Institute San Juan Capistrano); PubMed 20104584 (cited by Labcorp Genetics (formerly Invitae), Labcorp); PubMed 21520333 (cited by Labcorp Genetics (formerly Invitae), Labcorp).